The following is an entry in ClinVar:

ClinVar aggregate classification (germline): Uncertain significance (1 of 4 stars; one submission).

Allele frequency attached by ClinVar (database versions not stated): gnomAD 0.00001; gnomAD exomes 0.00001; ExAC 0.00003; 1000 Genomes Project 30x 0.00031; 1000 Genomes Project 0.00040.
gnomAD v4.1: 13 of 1,613,872 alleles (0.00081%); highest among the groups gnomAD compares: South Asian, 0.013%; no homozygotes.

Submission:

Labcorp Genetics (formerly Invitae), Labcorp
Classification: Uncertain significance. Last evaluated: 2022-09-24. Review status: criteria provided, single submitter. Criteria: Invitae Variant Classification Sherloc (09022015). Collection method: clinical testing. Allele origin: germline.
Comment: This sequence change replaces glycine, which is neutral and non-polar, with aspartic acid, which is acidic and polar, at codon 660 of the VCAN protein (p.Gly660Asp). This variant is present in population databases (rs535106011, gnomAD 0.01%). This variant has not been reported in the literature in individuals affected with VCAN-related conditions. Algorithms developed to predict the effect of missense changes on protein structure and function (SIFT, PolyPhen-2, Align-GVGD) all suggest that this variant is likely to be disruptive. In summary, the available evidence is currently insufficient to determine the role of this variant in disease. Therefore, it has been classified as a Variant of Uncertain Significance.

NM_004385.5(VCAN):c.1979G>A (p.Gly660Asp)

Gene: VCAN (versican; plus strand). Cytogenetic location: 5q14.3.
Variant type: single nucleotide variant.
Coding change: c.1979G>A on transcript NM_004385.5 (MANE Select); coding-DNA position 1979, G replaced by A.
Protein change: p.Gly660Asp; replaces glycine 660 with aspartic acid.
Molecular consequence: missense variant. On other transcripts: intron variant (2).
Genome position (GRCh38, 1-based): chr5:83,520,285, G>A. VCF-style: chr5-83520285-G-A. GRCh37 (hg19) VCF-style: chr5-82816104-G-A.
Other names: c.1979G>A, p.Gly660Asp (NM_001164098.2); c.1042+7889G>A (NM_001164097.2, NM_001126336.3); short protein forms G660D.
Identifiers: ClinVar variation 2175483 (VCV002175483.4), dbSNP rs535106011, ClinGen allele CA3332761.